The following is an entry in ClinVar:

NM_002661.5(PLCG2):c.3212G>T (p.Arg1071Leu)

Gene: PLCG2 (phospholipase C gamma 2; plus strand). Cytogenetic location: 16q23.3.
Variant type: single nucleotide variant.
Coding change: c.3212G>T on transcript NM_002661.5 (MANE Select); coding-DNA position 3212, G replaced by T.
Protein change: p.Arg1071Leu; replaces arginine 1071 with leucine.
Molecular consequence: missense variant.
Genome position (GRCh38, 1-based): chr16:81,938,814, G>T. VCF-style: chr16-81938814-G-T. GRCh37 (hg19) VCF-style: chr16-81972419-G-T.
Other names: c.3212G>T, p.Arg1071Leu (NM_001425749.1, NM_001425750.1, NM_001425751.1); short protein forms R1071L.
Identifiers: ClinVar variation 4765898 (VCV004765898.1).

ClinVar aggregate classification (germline): Uncertain significance (1 of 4 stars; one submission).

Conditions:
Familial cold autoinflammatory syndrome 3 (FCAS3). Also called: FAMILIAL ATYPICAL COLD URTICARIA; ANTIBODY DEFICIENCY AND IMMUNE DYSREGULATION, PLCG2-ASSOCIATED. Identifiers: Orphanet 300359, MedGen C3280914, MONDO:0013766, OMIM 614468.

gnomAD v4.1: 1 of 1,610,444 alleles (0.000062%); highest among the groups gnomAD compares: Non-Finnish European, 0.000085%; no homozygotes.

Submission:

Labcorp Genetics (formerly Invitae), Labcorp
Classification: Uncertain significance for Familial cold autoinflammatory syndrome 3. Last evaluated: 2025-12-09. Review status: criteria provided, single submitter. Criteria: Invitae Variant Classification Sherloc (09022015). Collection method: clinical testing. Allele origin: germline.
Comment: This sequence change replaces arginine, which is basic and polar, with leucine, which is neutral and non-polar, at codon 1071 of the PLCG2 protein (p.Arg1071Leu). This variant is not present in population databases (gnomAD no frequency). This variant has not been reported in the literature in individuals affected with PLCG2-related conditions. An algorithm developed to predict the effect of missense changes on protein structure and function (PolyPhen-2) suggests that this variant is likely to be tolerated. In summary, the available evidence is currently insufficient to determine the role of this variant in disease. Therefore, it has been classified as a Variant of Uncertain Significance.